The following is an entry in ClinVar:

NC_000003.11:g.(?_45588823)_(45589022_?)del

Gene: LARS2 (leucyl-tRNA synthetase 2, mitochondrial; plus strand). Cytogenetic location: 3p21.31.
Variant type: Deletion.
Identifiers: ClinVar variation 2426142 (VCV002426142.4).

ClinVar aggregate classification (germline): Uncertain significance (1 of 4 stars; one submission).

Submission:

Labcorp Genetics (formerly Invitae), Labcorp
Classification: Uncertain significance. Last evaluated: 2022-07-13. Review status: criteria provided, single submitter. Criteria: Invitae Variant Classification Sherloc (09022015). Collection method: clinical testing. Allele origin: germline.
Comment: In summary, the available evidence is currently insufficient to determine the role of this variant in disease. Therefore, it has been classified as a Variant of Uncertain Significance. Experimental studies and prediction algorithms are not available or were not evaluated, and the functional significance of this variant is currently unknown. This variant has not been reported in the literature in individuals affected with LARS2-related conditions. This variant is a gross deletion of the genomic region encompassing exon(s) 22 of the LARS2 gene, which includes the termination codon. This deletion extends beyond the assayed region for this gene and therefore may encompass additional genes. While this deletion is not anticipated to lead to nonsense mediated decay, it is expected to alter mRNA translation or result in a truncated protein product.